The following is an entry in ClinVar:

ClinVar aggregate classification (germline): Benign (0 of 4 stars; one submission).

Conditions:
ARHGEF4-related disorder. Also called: ARHGEF4-related condition.

Allele frequency attached by ClinVar (database versions not stated): ESP Exome Variant Server 0.15517; gnomAD 0.16319; TOPMed 0.16353; 1000 Genomes Project 0.18431; 1000 Genomes Project 30x 0.18567; ExAC 0.20396.
gnomAD v4.1: 209,879 of 1,553,920 alleles (14%); highest among the groups gnomAD compares: African/African-American, 26%; 16,003 homozygotes.

Submission:

PreventionGenetics, part of Exact Sciences
Classification: Benign for ARHGEF4-related condition. Last evaluated: 2019-11-08. Review status: no assertion criteria provided. Collection method: clinical testing. Allele origin: germline.
Comment: This variant is classified as benign based on ACMG/AMP sequence variant interpretation guidelines (Richards et al. 2015 PMID: 25741868, with internal and published modifications).

NM_001367493.1(ARHGEF4):c.5331C>T (p.Pro1777=)

Gene: ARHGEF4 (Rho guanine nucleotide exchange factor 4; plus strand). Cytogenetic location: 2q21.1.
Variant type: single nucleotide variant.
Coding change: c.5331C>T on transcript NM_001367493.1 (MANE Select); coding-DNA position 5331, C replaced by T.
Protein change: p.Pro1777=; no amino-acid change (proline 1777 retained).
Molecular consequence: synonymous variant.
Genome position (GRCh38, 1-based): chr2:131,044,472, C>T. VCF-style: chr2-131044472-C-T. GRCh37 (hg19) VCF-style: chr2-131802045-C-T.
Other names: c.1818C>T, p.Pro606= (NM_001375900.1); c.1662C>T, p.Pro554= (NM_001375901.1); c.1620C>T, p.Pro540= (NM_001375902.1); c.1563C>T, p.Pro521= (NM_001375903.1); c.1404C>T, p.Pro468= (NM_001375904.1); c.1152C>T, p.Pro384= (NM_001395416.1); c.1773C>T, p.Pro591= (NM_015320.4).
Identifiers: ClinVar variation 3055655 (VCV003055655.2), dbSNP rs10928515, ClinGen allele CA1875409.